The following is an entry in ClinVar:

NM_000742.4(CHRNA2):c.74-6T>G

Gene: CHRNA2 (cholinergic receptor nicotinic alpha 2 subunit; minus strand). Cytogenetic location: 8p21.2.
Variant type: single nucleotide variant.
Coding change: c.74-6T>G on transcript NM_000742.4 (MANE Select); 6 bases into the intron before coding-DNA position 74, T replaced by G.
Molecular consequence: intron variant.
Genome position (GRCh38, 1-based): chr8:27,469,987, A>C on the plus strand (T>G on the coding strand, the complement: CHRNA2 is on the minus strand). VCF-style: chr8-27469987-A-C. GRCh37 (hg19) VCF-style: chr8-27327504-A-C.
Other names: c.-354-6T>G (NM_001347705.2); c.74-6T>G (NM_001282455.2); c.-388-6T>G (NM_001347708.2); c.-399-6T>G (NM_001347706.2); c.-340-6T>G (NM_001347707.2).
Identifiers: ClinVar variation 2847094 (VCV002847094.3), dbSNP rs755545432, ClinGen allele CA1772824086.

ClinVar aggregate classification (germline): Uncertain significance (1 of 4 stars; one submission).

Conditions:
Familial sleep-related hypermotor epilepsy. Also called: Autosomal Dominant Sleep-Related Hypermotor (Hyperkinetic) Epilepsy. Identifiers: Orphanet 98784, MedGen C3696898, MONDO:0000030.

Submission:

Labcorp Genetics (formerly Invitae), Labcorp
Classification: Uncertain significance. Last evaluated: 2023-03-18. Review status: criteria provided, single submitter. Criteria: Invitae Variant Classification Sherloc (09022015). Collection method: clinical testing. Allele origin: germline.
Comment: This variant has not been reported in the literature in individuals affected with CHRNA2-related conditions. This variant is not present in population databases (gnomAD no frequency). This sequence change falls in intron 2 of the CHRNA2 gene. It does not directly change the encoded amino acid sequence of the CHRNA2 protein. Algorithms developed to predict the effect of sequence changes on RNA splicing suggest that this variant may disrupt the consensus splice site. In summary, the available evidence is currently insufficient to determine the role of this variant in disease. Therefore, it has been classified as a Variant of Uncertain Significance.